The following is an entry in ClinVar:

ClinVar aggregate classification (germline): Pathogenic (1 of 4 stars; one submission).

Conditions:
Bardet-Biedl syndrome (BBS). Identifiers: Orphanet 110, MedGen C0752166, MONDO:0015229.

gnomAD v4.1: 1 of 1,609,070 alleles (0.000062%); highest among the groups gnomAD compares: South Asian, 0.0011%; no homozygotes.

Submission:

Labcorp Genetics (formerly Invitae), Labcorp
Classification: Pathogenic for Bardet-Biedl syndrome. Last evaluated: 2023-12-03. Review status: criteria provided, single submitter. Criteria: Invitae Variant Classification Sherloc (09022015). Collection method: clinical testing. Allele origin: germline.
Comment: This sequence change creates a premature translational stop signal (p.Lys116*) in the BBS4 gene. It is expected to result in an absent or disrupted protein product. Loss-of-function variants in BBS4 are known to be pathogenic (PMID: 11381270, 12016587, 20177705, 27894351). This variant is present in population databases (no rsID available, gnomAD 0.003%). This variant has not been reported in the literature in individuals affected with BBS4-related conditions. For these reasons, this variant has been classified as Pathogenic.

Literature cited by the submitters: PubMed 11381270; PubMed 12016587; PubMed 20177705; PubMed 27894351.

NM_033028.5(BBS4):c.346A>T (p.Lys116Ter)

Gene: BBS4 (Bardet-Biedl syndrome 4; plus strand). Cytogenetic location: 15q24.1.
Variant type: single nucleotide variant.
Coding change: c.346A>T on transcript NM_033028.5 (MANE Select); coding-DNA position 346, A replaced by T.
Protein change: p.Lys116Ter; replaces lysine 116 with a stop codon.
Molecular consequence: nonsense. On other transcripts: 5 prime UTR variant (1), non-coding transcript variant (2).
Genome position (GRCh38, 1-based): chr15:72,716,791, A>T. VCF-style: chr15-72716791-A-T. GRCh37 (hg19) VCF-style: chr15-73009132-A-T.
Other names: c.-176A>T (NM_001252678.2); c.346A>T, p.Lys116Ter (NM_001320665.2); short protein forms K116*.
Identifiers: ClinVar variation 2700655 (VCV002700655.3), dbSNP rs1195131327, ClinGen allele CA393076980.